The following is an entry in ClinVar:

NM_198253.3(TERT):c.1319A>T (p.Glu440Val)

Gene: TERT (telomerase reverse transcriptase; minus strand). Cytogenetic location: 5p15.33.
Variant type: single nucleotide variant.
Coding change: c.1319A>T on transcript NM_198253.3 (MANE Select); coding-DNA position 1319, A replaced by T.
Protein change: p.Glu440Val; replaces glutamic acid 440 with valine.
Molecular consequence: missense variant. On other transcripts: non-coding transcript variant (2).
Genome position (GRCh38, 1-based): chr5:1,293,567, T>A on the plus strand (A>T on the coding strand, the complement: TERT is on the minus strand). VCF-style: chr5-1293567-T-A. GRCh37 (hg19) VCF-style: chr5-1293682-T-A.
Other names: c.1319A>T, p.Glu440Val (NM_001193376.3, NM_003219.1); short protein forms E440V.
Identifiers: ClinVar variation 2946765 (VCV002946765.3), dbSNP rs2478411582, ClinGen allele CA359086220.

ClinVar aggregate classification (germline): Uncertain significance (1 of 4 stars; one submission).

Conditions:
Idiopathic Pulmonary Fibrosis. Also called: Idiopathic fibrosing alveolitis, chronic form; idiopathic fibrosing alveolitis. Identifiers: Orphanet 2032, MedGen C1800706, MeSH D054990, MONDO:0800504.
Dyskeratosis congenita, autosomal dominant 2. Identifiers: MedGen C3151443, MONDO:0013521, OMIM 613989.

Allele frequency attached by ClinVar (database versions not stated): gnomAD exomes below 0.00001.
gnomAD v4.1: 1 of 1,546,192 alleles (0.000065%); highest among the groups gnomAD compares: Non-Finnish European, 0.000087%; no homozygotes.

Submission:

Labcorp Genetics (formerly Invitae), Labcorp
Classification: Uncertain significance for Dyskeratosis congenita, autosomal dominant 2; Idiopathic Pulmonary Fibrosis. Last evaluated: 2023-04-15. Review status: criteria provided, single submitter. Criteria: Invitae Variant Classification Sherloc (09022015). Collection method: clinical testing. Allele origin: germline.
Comment: This sequence change replaces glutamic acid, which is acidic and polar, with valine, which is neutral and non-polar, at codon 440 of the TERT protein (p.Glu440Val). This variant is not present in population databases (gnomAD no frequency). This variant has not been reported in the literature in individuals affected with TERT-related conditions. Advanced modeling of protein sequence and biophysical properties (such as structural, functional, and spatial information, amino acid conservation, physicochemical variation, residue mobility, and thermodynamic stability) has been performed at Invitae for this missense variant, however the output from this modeling did not meet the statistical confidence thresholds required to predict the impact of this variant on TERT protein function. In summary, the available evidence is currently insufficient to determine the role of this variant in disease. Therefore, it has been classified as a Variant of Uncertain Significance.